The following is an entry in ClinVar:

ClinVar aggregate classification (germline): Uncertain significance (1 of 4 stars; one submission).

Submission:

CeGaT Center for Human Genetics Tuebingen
Classification: Uncertain significance. Last evaluated: 2022-09-01. Review status: criteria provided, single submitter. Criteria: CeGaT Center For Human Genetics Tuebingen Variant Classification Criteria Version 2. Collection method: clinical testing. Allele origin: germline. Affected: yes. Observed: 1 variant allele.
Comment: NRXN1: PM2

NM_001330078.2(NRXN1):c.4352C>G (p.Ala1451Gly)

Gene: NRXN1 (neurexin 1; minus strand). Cytogenetic location: 2p16.3.
Variant type: single nucleotide variant.
Coding change: c.4352C>G on transcript NM_001330078.2 (MANE Select); coding-DNA position 4352, C replaced by G.
Protein change: p.Ala1451Gly; replaces alanine 1451 with glycine.
Molecular consequence: missense variant.
Genome position (GRCh38, 1-based): chr2:49,922,116, G>C on the plus strand (C>G on the coding strand, the complement: NRXN1 is on the minus strand). VCF-style: chr2-49922116-G-C. GRCh37 (hg19) VCF-style: chr2-50149254-G-C.
Other names: c.4325C>G, p.Ala1442Gly (NM_001330085.2); c.4343C>G, p.Ala1448Gly (NM_001330086.2); c.4151C>G, p.Ala1384Gly (NM_001330087.2); c.4172C>G, p.Ala1391Gly (NM_001330088.2); c.1238C>G, p.Ala413Gly (NM_001330091.2); c.1247C>G, p.Ala416Gly (NM_001330092.2); c.4349C>G, p.Ala1450Gly (NM_001330093.2); c.4331C>G, p.Ala1444Gly (NM_001330094.2); and 12 more; short protein forms A1381G, A1384G, A1391G, A1396G, A1404G, A1421G, A1429G, A1440G.
Identifiers: ClinVar variation 2650901 (VCV002650901.24), dbSNP rs1060503175, ClinGen allele CA346818549.